The following is an entry in ClinVar:

ClinVar aggregate classification (germline): Uncertain significance (1 of 4 stars; one submission).

Conditions:
Inborn genetic diseases. Identifiers: MedGen C0950123, MeSH D030342.

gnomAD v4.1: 12 of 1,613,880 alleles (0.00074%); highest among the groups gnomAD compares: South Asian, 0.0011%; no homozygotes.

Submission:

Ambry Genetics
Classification: Uncertain significance for Inborn genetic diseases. Last evaluated: 2026-05-23. Review status: criteria provided, single submitter. Criteria: Ambry Variant Classification Scheme 2023. Collection method: clinical testing. Allele origin: germline.
Comment: The c.802A>G (p.N268D) alteration is located in exon 9 (coding exon 8) of the GNB2 gene. This alteration results from a A to G substitution at nucleotide position 802, causing the asparagine (N) at amino acid position 268 to be replaced by an aspartic acid (D). Based on data from gnomAD, the G allele has an overall frequency of <0.001% (1/251200) total alleles studied. The highest observed frequency was 0.001% (1/113562) of European (non-Finnish) alleles. Based on insufficient or conflicting evidence, the clinical significance of this alteration remains unclear.

NM_005273.4(GNB2):c.802A>G (p.Asn268Asp)

Gene: GNB2 (G protein subunit beta 2; plus strand). Cytogenetic location: 7q22.1.
Variant type: single nucleotide variant.
Coding change: c.802A>G on transcript NM_005273.4 (MANE Select); coding-DNA position 802, A replaced by G.
Protein change: p.Asn268Asp; replaces asparagine 268 with aspartic acid.
Molecular consequence: missense variant.
Genome position (GRCh38, 1-based): chr7:100,678,500, A>G. VCF-style: chr7-100678500-A-G. GRCh37 (hg19) VCF-style: chr7-100276123-A-G.
Other names: short protein forms N268D.
Identifiers: ClinVar variation 4858131 (VCV004858131.1).
Genomic context (GRCh38, chr7:100,678,500, plus strand): 5'-GCCACGTGCCGCCTCTTCGACCTGCGGGCCGATCAGGAGCTCCTCATGTACTCCCATGAC[A>G]ACATCATCTGTGGCATCACCTCTGTTGCCTTCTCGCGCAGCGGACGGCTGCTGCTCGCTG-3'
Protein context (NP_005264.2, residues 258-278): DQELLMYSHD[Asn268Asp]IICGITSVAF